The following is an entry in ClinVar:

NM_001386298.1(CIC):c.206G>A (p.Arg69Gln)

Gene: CIC (capicua transcriptional repressor; plus strand). Cytogenetic location: 19q13.2.
Variant type: single nucleotide variant.
Coding change: c.206G>A on transcript NM_001386298.1 (MANE Select); coding-DNA position 206, G replaced by A.
Protein change: p.Arg69Gln; replaces arginine 69 with glutamine.
Molecular consequence: missense variant.
Genome position (GRCh38, 1-based): chr19:42,271,989, G>A. VCF-style: chr19-42271989-G-A. GRCh37 (hg19) VCF-style: chr19-42776141-G-A.
Other names: c.206G>A, p.Arg69Gln (NM_001304815.2, NM_001379480.1, NM_001379482.1 and 1 more transcripts); short protein forms R69Q.
Identifiers: ClinVar variation 2585385 (VCV002585385.4), dbSNP rs188464728, ClinGen allele CA9471547.

ClinVar aggregate classification (germline): Conflicting classifications of pathogenicity. Review status: criteria provided, conflicting classifications (1 of 4 stars). 3 submissions from 3 submitters: Uncertain significance (1); Likely benign (1). 1 of the submissions does not count toward it. Last evaluated 2024-11-26.

Conditions:
Intellectual developmental disorder, autosomal dominant 45. Also called: MENTAL RETARDATION, AUTOSOMAL DOMINANT 45; Intellectual disability, autosomal dominant 45. Identifiers: MedGen C4539848, MONDO:0030910, OMIM 617600.
CIC-related disorder. Also called: CIC-related condition.

Allele frequency attached by ClinVar (database versions not stated): TOPMed 0.00194; gnomAD 0.00262; gnomAD exomes 0.00293; 1000 Genomes Project 30x 0.00375; 1000 Genomes Project 0.00419.
gnomAD v4.1: 1,128 of 399,176 alleles (0.28%); highest among the groups gnomAD compares: Middle Eastern, 2.2%; 11 homozygotes.

Submissions (3):

Blueprint Genetics
Classification: Likely benign. Last evaluated: 2024-11-26. Review status: criteria provided, single submitter. Criteria: ACMG Guidelines, 2015. Collection method: clinical testing. Allele origin: germline.

Neuberg Centre For Genomic Medicine, NCGM
Classification: Uncertain significance for Intellectual developmental disorder, autosomal dominant 45. Review status: criteria provided, single submitter. Criteria: ACMG Guidelines, 2015. Collection method: clinical testing. Allele origin: germline. Inheritance: Autosomal dominant inheritance. Affected: yes.
Comment: The missense variant c.206G>A (p.Arg69Gln) in CIC gene has not been reported previously as a pathogenic variant nor as a benign variant, to our knowledge. This variant is reported with the allele frequency of 0.12% in the gnomad and 0.41% in 1000 genome database. The amino acid Arginine at position 69 is changed to a Glutamine changing protein sequence and it might alter its composition and physico-chemical properties. The residue is conserved across species. For these reasons, this variant has been classified as Uncertain Significance.

PreventionGenetics, part of Exact Sciences
Classification: Likely benign for CIC-related condition. Last evaluated: 2019-02-22. Review status: no assertion criteria provided. Collection method: clinical testing. Allele origin: germline. Not counted in ClinVar's aggregate classification.
Comment: This variant is classified as likely benign based on ACMG/AMP sequence variant interpretation guidelines (Richards et al. 2015 PMID: 25741868, with internal and published modifications).